The following is an entry in ClinVar:

ClinVar aggregate classification (germline): Uncertain significance (1 of 4 stars; one submission).

Conditions:
Dilated cardiomyopathy 1W (CMD1W). Identifiers: Orphanet 154, MedGen C1969639, MONDO:0012667, OMIM 611407.

Submission:

Labcorp Genetics (formerly Invitae), Labcorp
Classification: Uncertain significance for Dilated cardiomyopathy 1W. Last evaluated: 2021-02-02. Review status: criteria provided, single submitter. Criteria: Invitae Variant Classification Sherloc (09022015). Collection method: clinical testing. Allele origin: germline.
Comment: In summary, the available evidence is currently insufficient to determine the role of this variant in disease. Therefore, it has been classified as a Variant of Uncertain Significance. Algorithms developed to predict the effect of sequence changes on RNA splicing suggest that this variant may create or strengthen a splice site, but this prediction has not been confirmed by published transcriptional studies. Experimental studies and prediction algorithms are not available or were not evaluated, and the functional significance of this variant is currently unknown. This variant has not been reported in the literature in individuals with VCL-related conditions. This variant is not present in population databases (ExAC no frequency). This sequence change creates a premature translational stop signal (p.Gln1086*) in the VCL gene. While this is not anticipated to result in nonsense mediated decay, it is expected to disrupt the last 49 amino acid(s) of the VCL protein.

NM_014000.3(VCL):c.3256C>T (p.Gln1086Ter)

Gene: VCL (vinculin; plus strand). Cytogenetic location: 10q22.2.
Variant type: single nucleotide variant.
Coding change: c.3256C>T on transcript NM_014000.3 (MANE Select); coding-DNA position 3256, C replaced by T.
Protein change: p.Gln1086Ter; replaces glutamine 1086 with a stop codon.
Molecular consequence: nonsense.
Genome position (GRCh38, 1-based): chr10:74,114,897, C>T. VCF-style: chr10-74114897-C-T. GRCh37 (hg19) VCF-style: chr10-75874655-C-T.
Other names: c.3052C>T, p.Gln1018Ter (NM_003373.4); short protein forms Q1018*, Q1086*.
Identifiers: ClinVar variation 1506531 (VCV001506531.6), dbSNP rs2131940805, ClinGen allele CA377267690.
Genomic context (GRCh38, chr10:74,114,897, plus strand): 5'-CTGTCCACAGTGAAGGCCACCATGCTGGGCCGGACCAACATCAGTGATGAGGAGTCTGAG[C>T]AGGTATGTGGCAGCTGTTTTTGGTTTCTGGCTGGCAGCTTCTGTGCCGTTTTGCAGTAAT-3'